The following is an entry in ClinVar:

NM_014855.3(AP5Z1):c.*378T>C

Gene: AP5Z1 (adaptor related protein complex 5 subunit zeta 1; plus strand). Cytogenetic location: 7p22.1.
Variant type: single nucleotide variant.
Coding change: c.*378T>C on transcript NM_014855.3 (MANE Select); 378 bases downstream of the stop codon, T replaced by C.
Molecular consequence: 3 prime UTR variant. On other transcripts: non-coding transcript variant (1).
Genome position (GRCh38, 1-based): chr7:4,791,763, T>C. VCF-style: chr7-4791763-T-C. GRCh37 (hg19) VCF-style: chr7-4831394-T-C.
Other names: c.*378T>C (LRG_1247t1, NM_001364858.1).
Identifiers: ClinVar variation 360353 (VCV000360353.6), dbSNP rs12154696, ClinGen allele CA10629166.

ClinVar aggregate classification (germline): Likely benign. Review status: criteria provided, multiple submitters, no conflicts (2 of 4 stars). 2 submissions from 2 submitters: Likely benign (2). Last evaluated 2017-04-27.

Conditions:
Hereditary spastic paraplegia 48. Also called: SPASTIC PARAPLEGIA 48, AUTOSOMAL RECESSIVE; Spastic paraplegia 48. Identifiers: Orphanet 306511, MedGen C3150901, MONDO:0013342, OMIM 613647.

Allele frequency attached by ClinVar (database versions not stated): gnomAD exomes 0.04310; 1000 Genomes Project 0.05391; 1000 Genomes Project 30x 0.05684; gnomAD 0.06387 and 0.06569; TOPMed 0.06818.
gnomAD v4.1: 14,416 of 261,120 alleles (5.5%); highest among the groups gnomAD compares: African/African-American, 11%; 505 homozygotes.

Submissions (2):

Illumina Laboratory Services, Illumina
Classification: Likely benign for Hereditary spastic paraplegia 48. Last evaluated: 2017-04-27. Review status: criteria provided, single submitter. Criteria: ICSL Variant Classification Criteria 13 December 2019. Collection method: clinical testing. Allele origin: germline.
Comment: This variant was observed as part of a predisposition screen in an ostensibly healthy population. A literature search was performed for the gene, cDNA change, and amino acid change (where applicable). No publications were found based on this search. Allele frequency data from public databases allowed determination this variant is unlikely to cause disease. Therefore, this variant is classified as likely benign.

Breakthrough Genomics
Classification: Likely benign. Review status: criteria provided, single submitter. Criteria: ACMG Guidelines, 2015. Collection method: not provided. Allele origin: germline. Inheritance: Autosomal recessive inheritance. Affected: yes.